The following is an entry in ClinVar:

NM_000179.3(MSH6):c.1665A>C (p.Ala555=)

Gene: MSH6 (mutS homolog 6; plus strand). Cytogenetic location: 2p16.3.
Variant type: single nucleotide variant.
Coding change: c.1665A>C on transcript NM_000179.3 (MANE Select); coding-DNA position 1665, A replaced by C.
Protein change: p.Ala555=; no amino-acid change (alanine 555 retained).
Molecular consequence: synonymous variant. On other transcripts: non-coding transcript variant (4), intron variant (2).
Genome position (GRCh38, 1-based): chr2:47,799,648, A>C. VCF-style: chr2-47799648-A-C. GRCh37 (hg19) VCF-style: chr2-48026787-A-C.
Other names: c.1275A>C, p.Ala425= (NM_001281492.2); c.759A>C, p.Ala253= (NM_001281493.2, NM_001281494.2, NM_001406811.1 and 6 more transcripts); c.1761A>C, p.Ala587= (NM_001406795.1, NM_001406802.1); c.1665A>C, p.Ala555= (NM_001406796.1, NM_001406798.1, NM_001406800.1 and 3 more transcripts); c.1368A>C, p.Ala456= (NM_001406797.1, NM_001406801.1, NM_001406805.1 and 10 more transcripts); c.1140A>C, p.Ala380= (NM_001406799.1, NM_001406806.1, NM_001406807.1); c.1587A>C, p.Ala529= (NM_001406804.1); c.1671A>C, p.Ala557= (NM_001406813.1); and 3 more.
Identifiers: ClinVar variation 3903796 (VCV003903796.1).

ClinVar aggregate classification (germline): Benign (1 of 4 stars; one submission).

Conditions:
Lynch syndrome 5 (LYNCH5). Also called: Colorectal cancer, hereditary nonpolyposis, type 5; Hereditary non-polyposis colorectal cancer, type 5. Identifiers: Orphanet 144, MedGen C1833477, MONDO:0013710, OMIM 614350. Disease mechanism: loss of function.

Submission:

Myriad Genetics, Inc.
Classification: Benign for Lynch syndrome 5. Last evaluated: 2024-12-27. Review status: criteria provided, single submitter. Criteria: Myriad Autosomal Dominant, Autosomal Recessive and X-Linked Classification Criteria (2023). Collection method: clinical testing. Allele origin: unknown.
Comment: This variant is considered benign. This variant is a silent/synonymous amino acid change and it is not expected to impact splicing.